The following is an entry in ClinVar:

ClinVar aggregate classification (germline): Uncertain significance. Review status: criteria provided, single submitter (1 of 4 stars). 2 submissions from 2 submitters: Uncertain significance (1). 1 of the submissions does not count toward it. Last evaluated 2024-02-23.

Conditions:
Retinitis pigmentosa 26 (RP26). Identifiers: Orphanet 791, MedGen C1842127, MONDO:0012024, OMIM 608380.

Submissions (2):

Labcorp Genetics (formerly Invitae), Labcorp
Classification: Uncertain significance. Last evaluated: 2024-02-23. Review status: criteria provided, single submitter. Criteria: Invitae Variant Classification Sherloc (09022015). Collection method: clinical testing. Allele origin: germline.
Comment: This sequence change replaces glutamine, which is neutral and polar, with histidine, which is basic and polar, at codon 240 of the CERKL protein (p.Gln240His). This variant is not present in population databases (gnomAD no frequency). This variant has not been reported in the literature in individuals affected with CERKL-related conditions. ClinVar contains an entry for this variant (Variation ID: 1038169). An algorithm developed to predict the effect of missense changes on protein structure and function (PolyPhen-2) suggests that this variant is likely to be tolerated. In summary, the available evidence is currently insufficient to determine the role of this variant in disease. Therefore, it has been classified as a Variant of Uncertain Significance.

Natera, Inc.
Classification: Uncertain significance for Retinitis Pigmentosa 26. Last evaluated: 2020-08-26. Review status: no assertion criteria provided. Collection method: clinical testing. Allele origin: germline. Not counted in ClinVar's aggregate classification.

NM_201548.5(CERKL):c.677+590G>C

Gene: CERKL (CERK like autophagy regulator; minus strand). Cytogenetic location: 2q31.3.
Variant type: single nucleotide variant.
Coding change: c.677+590G>C on transcript NM_201548.5 (MANE Select); 590 bases into the intron after coding-DNA position 677, G replaced by C.
Molecular consequence: intron variant. On other transcripts: missense variant (2).
Genome position (GRCh38, 1-based): chr2:181,565,468, C>G on the plus strand (G>C on the coding strand, the complement: CERKL is on the minus strand). VCF-style: chr2-181565468-C-G. GRCh37 (hg19) VCF-style: chr2-182430195-C-G.
Other names: c.720G>C, p.Gln240His (NM_001030311.3); c.588G>C, p.Gln196His (NM_001160277.2); c.482-15760G>C (NM_001030312.3); c.613+8285G>C (NM_001030313.3); short protein forms Q240H, Q196H.
Identifiers: ClinVar variation 1038169 (VCV001038169.9), dbSNP rs1688623229, ClinGen allele CA349742542.